The following is an entry in ClinVar:

ClinVar aggregate classification (germline): Uncertain significance. Review status: criteria provided, multiple submitters, no conflicts (2 of 4 stars). 2 submissions from 2 submitters: Uncertain significance (2). Last evaluated 2026-06-22.

Conditions:
Hereditary cancer-predisposing syndrome. Also called: Hereditary Cancer Syndrome; Neoplastic Syndromes, Hereditary; Hereditary neoplastic syndrome; Tumor predisposition. Identifiers: Orphanet 140162, MedGen C0027672, MeSH D009386, MONDO:0015356.
Cardiovascular phenotype. Identifiers: MedGen CN230736.

Submissions (2):

Ambry Genetics
Classification: Uncertain significance for Cardiovascular phenotype; Hereditary cancer-predisposing syndrome. Last evaluated: 2026-06-22. Review status: criteria provided, single submitter. Criteria: Ambry Variant Classification Scheme 2023. Collection method: clinical testing. Allele origin: germline.
Comment: The p.T1343S variant (also known as c.4028C>G), located in coding exon 30 of the NF1 gene, results from a C to G substitution at nucleotide position 4028. The threonine at codon 1343 is replaced by serine, an amino acid with similar properties. This amino acid position is highly conserved in available vertebrate species. In addition, the in silico prediction for this alteration is inconclusive. Based on the available evidence, the clinical significance of this variant remains unclear.

GeneDx
Classification: Uncertain significance. Last evaluated: 2023-07-27. Review status: criteria provided, single submitter. Criteria: GeneDx Variant Classification Process June 2021. Collection method: clinical testing. Allele origin: germline. Affected: yes.
Comment: Has not been previously published as pathogenic or benign to our knowledge; Not observed in large population cohorts (gnomAD); In silico analysis supports that this missense variant has a deleterious effect on protein structure/function; This variant is associated with the following publications: (PMID: 22807134, 25486365)

NM_001042492.3(NF1):c.4028C>G (p.Thr1343Ser)

Gene: NF1 (neurofibromin 1; plus strand). Cytogenetic location: 17q11.2.
Variant type: single nucleotide variant.
Coding change: c.4028C>G on transcript NM_001042492.3 (MANE Select); coding-DNA position 4028, C replaced by G.
Protein change: p.Thr1343Ser; replaces threonine 1343 with serine.
Molecular consequence: missense variant.
Genome position (GRCh38, 1-based): chr17:31,249,037, C>G. VCF-style: chr17-31249037-C-G. GRCh37 (hg19) VCF-style: chr17-29576055-C-G.
Other names: c.4028C>G, p.Thr1343Ser (NM_000267.4); short protein forms T1343S.
Identifiers: ClinVar variation 1327302 (VCV001327302.4), dbSNP rs2151451433, ClinGen allele CA398994923.